The following is an entry in ClinVar:

ClinVar aggregate classification (germline): Uncertain significance (1 of 4 stars; one submission).

Submission:

Labcorp Genetics (formerly Invitae), Labcorp
Classification: Uncertain significance. Last evaluated: 2024-01-05. Review status: criteria provided, single submitter. Criteria: Invitae Variant Classification Sherloc (09022015). Collection method: clinical testing. Allele origin: germline.
Comment: This sequence change replaces glycine, which is neutral and non-polar, with arginine, which is basic and polar, at codon 28 of the CCDC88C protein (p.Gly28Arg). This variant is not present in population databases (gnomAD no frequency). This variant has not been reported in the literature in individuals affected with CCDC88C-related conditions. An algorithm developed to predict the effect of missense changes on protein structure and function (PolyPhen-2) suggests that this variant is likely to be disruptive. In summary, the available evidence is currently insufficient to determine the role of this variant in disease. Therefore, it has been classified as a Variant of Uncertain Significance.

NM_001080414.4(CCDC88C):c.82G>A (p.Gly28Arg)

Gene: CCDC88C (coiled-coil and HOOK domain protein 88C; minus strand). Cytogenetic location: 14q32.12.
Variant type: single nucleotide variant.
Coding change: c.82G>A on transcript NM_001080414.4 (MANE Select); coding-DNA position 82, G replaced by A.
Protein change: p.Gly28Arg; replaces glycine 28 with arginine.
Molecular consequence: missense variant.
Genome position (GRCh38, 1-based): chr14:91,416,817, C>T on the plus strand (G>A on the coding strand, the complement: CCDC88C is on the minus strand). VCF-style: chr14-91416817-C-T. GRCh37 (hg19) VCF-style: chr14-91883161-C-T.
Other names: short protein forms G28R.
Identifiers: ClinVar variation 2807346 (VCV002807346.3), dbSNP rs1887084324, ClinGen allele CA390618935.
Genomic context (GRCh38, chr14:91,416,817, plus strand): 5'-TCAAAAAGATGCCGTCCACTAAATCCATGTACATAGTCAGGTTGTCCTGGCTGCCGCTTC[C>T]AAACGGGCCAAAAGTTTTCACCTGCGGGGAGGGGGACGAGGAGAGAAAGACAGGAAGTCA-3'
Protein context (NP_001073883.2, residues 18-38): VTWVKTFGPF[Gly28Arg]SGSQDNLTMY